The following is an entry in ClinVar:

ClinVar aggregate classification (germline): Uncertain significance (1 of 4 stars; one submission).

Conditions:
Atypical hemolytic-uremic syndrome. Identifiers: Orphanet 2134, MedGen C2931788, MONDO:0016244.
Basal laminar drusen. Also called: DRUSEN OF BRUCH MEMBRANE; DRUSEN, CUTICULAR; DRUSEN, EARLY ADULT-ONSET, GROUPED. Identifiers: Orphanet 75376, MedGen C0730295, MONDO:0007472, OMIM 126700.
Factor H deficiency (CFHD). Also called: COMPLEMENT FACTOR H DEFICIENCY; CFH DEFICIENCY. Identifiers: Orphanet 200421, MedGen C0398777, MONDO:0012350, OMIM 609814.
Age related macular degeneration 4. Identifiers: MedGen C1853147, MONDO:0012540, OMIM 610698.

Submission:

Genomenon, Inc
Classification: Uncertain significance for Basal laminar drusen; Age related macular degeneration 4; Atypical hemolytic-uremic syndrome; Factor H deficiency. Last evaluated: 2025-10-02. Review status: criteria provided, single submitter. Criteria: Genomenon Sequence Variant Interpretation Standards - Updated. Collection method: curation. Allele origin: germline. Affected: no.
Comment: CFH p.Ala1229Val (c.3686C>T) is a missense variant that changes the amino acid at residue 1229 from Alanine to Valine. This variant has been reported in the published literature (PMID:21531728). It is absent or not present at a significant frequency in gnomAD. In silico models agree that this variant is not damaging. In conclusion, we classify CFH p.Ala1229Val (c.3686C>T) as a variant of uncertain significance.

Literature cited by the submitters: PubMed 21531728.

NM_000186.4(CFH):c.3686C>T (p.Ala1229Val)

Gene: CFH (complement factor H; plus strand). Cytogenetic location: 1q31.3.
Variant type: single nucleotide variant.
Coding change: c.3686C>T on transcript NM_000186.4 (MANE Select); coding-DNA position 3686, C replaced by T.
Protein change: p.Ala1229Val; replaces alanine 1229 with valine.
Molecular consequence: missense variant.
Genome position (GRCh38, 1-based): chr1:196,747,303, C>T. VCF-style: chr1-196747303-C-T. GRCh37 (hg19) VCF-style: chr1-196716433-C-T.
Other names: short protein forms A1229V.
Identifiers: ClinVar variation 4291647 (VCV004291647.1).